The following is an entry in ClinVar:

ClinVar aggregate classification (germline): Uncertain significance (1 of 4 stars; one submission).

Conditions:
Malignant hyperthermia, susceptibility to, 5 (MHS5). Also called: CACNA1S-Related Malignant Hyperthermia Susceptibility. Identifiers: Orphanet 423, MedGen C1866077, MONDO:0011163, OMIM 601887.
Hypokalemic periodic paralysis, type 1. Also called: HypoPP; Hypokalemic Periodic Paralysis Type 1 (AD). Identifiers: Orphanet 681, MedGen C3714580, MONDO:0042979, OMIM 170400.

Submission:

Labcorp Genetics (formerly Invitae), Labcorp
Classification: Uncertain significance for Hypokalemic periodic paralysis, type 1; Malignant hyperthermia, susceptibility to, 5. Last evaluated: 2021-12-17. Review status: criteria provided, single submitter. Criteria: Invitae Variant Classification Sherloc (09022015). Collection method: clinical testing. Allele origin: germline.
Comment: This sequence change replaces tryptophan, which is neutral and slightly polar, with arginine, which is basic and polar, at codon 542 of the CACNA1S protein (p.Trp542Arg). This variant is not present in population databases (gnomAD no frequency). This variant has not been reported in the literature in individuals affected with CACNA1S-related conditions. Algorithms developed to predict the effect of missense changes on protein structure and function (SIFT, PolyPhen-2, Align-GVGD) all suggest that this variant is likely to be disruptive. Algorithms developed to predict the effect of sequence changes on RNA splicing suggest that this variant may create or strengthen a splice site. In summary, the available evidence is currently insufficient to determine the role of this variant in disease. Therefore, it has been classified as a Variant of Uncertain Significance.

NM_000069.3(CACNA1S):c.1624T>A (p.Trp542Arg)

Gene: CACNA1S (calcium voltage-gated channel subunit alpha1 S; minus strand). Cytogenetic location: 1q32.1.
Variant type: single nucleotide variant.
Coding change: c.1624T>A on transcript NM_000069.3 (MANE Select); coding-DNA position 1624, T replaced by A.
Protein change: p.Trp542Arg; replaces tryptophan 542 with arginine.
Molecular consequence: missense variant.
Genome position (GRCh38, 1-based): chr1:201,077,123, A>T on the plus strand (T>A on the coding strand, the complement: CACNA1S is on the minus strand). VCF-style: chr1-201077123-A-T. GRCh37 (hg19) VCF-style: chr1-201046251-A-T.
Other names: short protein forms W542R.
Identifiers: ClinVar variation 1379143 (VCV001379143.6), dbSNP rs2102142703, ClinGen allele CA344120797.
Genomic context (GRCh38, chr1:201,077,123, plus strand): 5'-GGGAGGCGATGGAGCGGATGGAGTTGAGCAGGGATGCCACCAGGTTGCTCAGCGACGTCC[A>T]ATATCTGAAGGAAGAGGAGGCACAAGGTGGGAGGAGACAGACCCTCTCACTGGGGCCCAC-3'
Protein context (NP_000060.2, residues 532-552): LLRIFKITKY[Trp542Arg]TSLSNLVASL